The following is an entry in ClinVar:

ClinVar aggregate classification (germline): Uncertain significance (1 of 4 stars; one submission).

Allele frequency attached by ClinVar (database versions not stated): gnomAD exomes below 0.00001; TOPMed below 0.00001.
gnomAD v4.1: 1 of 1,613,924 alleles (0.000062%); highest among the groups gnomAD compares: Non-Finnish European, 0.000085%; no homozygotes.

Submission:

Labcorp Genetics (formerly Invitae), Labcorp
Classification: Uncertain significance. Last evaluated: 2023-08-30. Review status: criteria provided, single submitter. Criteria: Invitae Variant Classification Sherloc (09022015). Collection method: clinical testing. Allele origin: germline.
Comment: This sequence change replaces threonine, which is neutral and polar, with isoleucine, which is neutral and non-polar, at codon 816 of the ITGAM protein (p.Thr816Ile). This variant is not present in population databases (gnomAD no frequency). This variant has not been reported in the literature in individuals affected with ITGAM-related conditions. An algorithm developed to predict the effect of missense changes on protein structure and function (PolyPhen-2) suggests that this variant is likely to be disruptive. In summary, the available evidence is currently insufficient to determine the role of this variant in disease. Therefore, it has been classified as a Variant of Uncertain Significance.

NM_000632.4(ITGAM):c.2447C>T (p.Thr816Ile)

Gene: ITGAM (integrin subunit alpha M; plus strand). Cytogenetic location: 16p11.2.
Variant type: single nucleotide variant.
Coding change: c.2447C>T on transcript NM_000632.4 (MANE Select); coding-DNA position 2447, C replaced by T.
Protein change: p.Thr816Ile; replaces threonine 816 with isoleucine.
Molecular consequence: missense variant.
Genome position (GRCh38, 1-based): chr16:31,325,346, C>T. VCF-style: chr16-31325346-C-T. GRCh37 (hg19) VCF-style: chr16-31336667-C-T.
Other names: c.2450C>T, p.Thr817Ile (NM_001145808.2); short protein forms T816I, T817I.
Identifiers: ClinVar variation 2756643 (VCV002756643.3), dbSNP rs2080496962, ClinGen allele CA395691104.